The following is an entry in ClinVar:

ClinVar aggregate classification (germline): Pathogenic (1 of 4 stars; one submission).

Submission:

Labcorp Genetics (formerly Invitae), Labcorp
Classification: Pathogenic. Last evaluated: 2022-02-24. Review status: criteria provided, single submitter. Criteria: Invitae Variant Classification Sherloc (09022015). Collection method: clinical testing. Allele origin: germline.
Comment: This sequence change creates a premature translational stop signal (p.Gln672*) in the ARID1B gene. It is expected to result in an absent or disrupted protein product. Loss-of-function variants in ARID1B are known to be pathogenic (PMID: 25674384, 30349098). This variant is not present in population databases (gnomAD no frequency). This variant has not been reported in the literature in individuals affected with ARID1B-related conditions. Algorithms developed to predict the effect of sequence changes on RNA splicing suggest that this variant may create or strengthen a splice site. For these reasons, this variant has been classified as Pathogenic.

Literature cited by the submitters: PubMed 25674384; PubMed 30349098.

NM_001374828.1(ARID1B):c.2224C>T (p.Gln742Ter)

Gene: ARID1B (AT-rich interaction domain 1B; plus strand). Cytogenetic location: 6q25.3.
Variant type: single nucleotide variant.
Coding change: c.2224C>T on transcript NM_001374828.1 (MANE Select); coding-DNA position 2224, C replaced by T.
Protein change: p.Gln742Ter; replaces glutamine 742 with a stop codon.
Molecular consequence: nonsense.
Genome position (GRCh38, 1-based): chr6:156,935,553, C>T. VCF-style: chr6-156935553-C-T. GRCh37 (hg19) VCF-style: chr6-157256687-C-T.
Other names: c.1801C>T, p.Gln601Ter (NM_175863.2); c.1975C>T, p.Gln659Ter (NM_001346813.1); c.2263C>T, p.Gln755Ter (NM_001371656.1, NM_001374820.1); c.2224C>T, p.Gln742Ter (NM_017519.3); c.2014C>T, p.Gln672Ter (NM_020732.3); short protein forms Q659*, Q755*, Q601*, Q672*, Q742*.
Identifiers: ClinVar variation 2103090 (VCV002103090.4), dbSNP rs1554270831, ClinGen allele CA366380521.